The following is an entry in ClinVar:

ClinVar aggregate classification (germline): Pathogenic. Review status: criteria provided, multiple submitters, no conflicts (2 of 4 stars). 2 submissions from 2 submitters: Pathogenic (2). Last evaluated 2024-07-01.

Conditions:
Hyperphosphatasia with impaired intellectual development syndrome 2. Also called: Hyperphosphatasia with intellectual disability syndrome 2; GLYCOSYLPHOSPHATIDYLINOSITOL BIOSYNTHESIS DEFECT 6. Identifiers: Orphanet 247262, MedGen C3553637, MONDO:0013882, OMIM 614749.

Allele frequency attached by ClinVar (database versions not stated): gnomAD 0.00001; gnomAD exomes 0.00001; TOPMed 0.00001.
gnomAD v4.1: 8 of 1,605,058 alleles (0.0005%); highest among the groups gnomAD compares: Admixed American, 0.0084%; no homozygotes.

Submissions (2):

Dasa
Classification: Pathogenic. Last evaluated: 2024-07-01. Review status: criteria provided, single submitter. Criteria: DASA Assertion Criteria. Collection method: clinical testing. Allele origin: germline.
Comment: NM_032634.4(PIGO):c.1114C>T (p.Gln372*) introduces a premature termination codon predicted to result in loss of normal protein function. Loss-of-function is an established mechanism of disease for this gene. Based on the available data, this variant is classified as pathogenic.

Labcorp Genetics (formerly Invitae), Labcorp
Classification: Pathogenic for Hyperphosphatasia with impaired intellectual development syndrome 2. Last evaluated: 2022-07-05. Review status: criteria provided, single submitter. Criteria: Invitae Variant Classification Sherloc (09022015). Collection method: clinical testing. Allele origin: germline.
Comment: For these reasons, this variant has been classified as Pathogenic. Algorithms developed to predict the effect of sequence changes on RNA splicing suggest that this variant may disrupt the consensus splice site. This variant has not been reported in the literature in individuals affected with PIGO-related conditions. This variant is present in population databases (no rsID available, gnomAD 0.003%). This sequence change creates a premature translational stop signal (p.Gln372*) in the PIGO gene. It is expected to result in an absent or disrupted protein product. Loss-of-function variants in PIGO are known to be pathogenic (PMID: 22683086, 24417746).

Literature cited by the submitters: PubMed 22683086 (cited by Labcorp Genetics (formerly Invitae), Labcorp); PubMed 24417746 (cited by Labcorp Genetics (formerly Invitae), Labcorp).

NM_032634.4(PIGO):c.1114C>T (p.Gln372Ter)

Gene: PIGO (phosphatidylinositol glycan anchor biosynthesis class O; minus strand). Cytogenetic location: 9p13.3.
Variant type: single nucleotide variant.
Coding change: c.1114C>T on transcript NM_032634.4 (MANE Select); coding-DNA position 1114, C replaced by T.
Protein change: p.Gln372Ter; replaces glutamine 372 with a stop codon.
Molecular consequence: nonsense.
Genome position (GRCh38, 1-based): chr9:35,093,035, G>A on the plus strand (C>T on the coding strand, the complement: PIGO is on the minus strand). VCF-style: chr9-35093035-G-A. GRCh37 (hg19) VCF-style: chr9-35093032-G-A.
Other names: c.1114C>T, p.Gln372Ter (NM_001201484.2, NM_152850.4); short protein forms Q372*.
Identifiers: ClinVar variation 2146203 (VCV002146203.5), dbSNP rs1276296360, ClinGen allele CA373322792.
Genomic context (GRCh38, chr9:35,093,035, plus strand): 5'-CTTCTTTCATGCCCACCCTAGCTCTGTCACCTGGAAACCCAGCCCGCTTACCTACCTGCT[G>A]AGCATTGAGATGGAGAGCTGAGGCTTGGGCTAAAGCAGAGGAGTGGGGCTGGGAGTCCTC-3'